The following is an entry in ClinVar:

NM_001164277.2(SLC37A4):c.1287_1290del (p.Ter430GluextTer?)

Gene: SLC37A4 (solute carrier family 37 member 4; minus strand). Cytogenetic location: 11q23.3.
Variant type: Deletion.
Coding change: c.1287_1290del on transcript NM_001164277.2 (MANE Select); coding-DNA positions 1287 to 1290, 4 bases deleted (GTGA; older notation c.1287_1290delGTGA).
Protein change: p.Ter430GluextTer?.
Molecular consequence: frameshift variant.
Genome position (GRCh38, 1-based): chr11:119,024,910-119,024,913, TCAC deleted on the plus strand (GTGA on the coding strand, the reverse complement: SLC37A4 is on the minus strand); deleting any 4 consecutive bases within chr11:119,024,910-119,024,916 gives the same sequence; the c. name uses the placement nearest the transcript's 3' end. VCF-style (leftmost placement, unchanged base first): chr11-119024909-TTCAC-T. GRCh37 (hg19) VCF-style: chr11-118895619-TTCAC-T.
Other names: c.1353_1356del, p.Ter452GluextTer? (NM_001164278.2); c.1068_1071del, p.Ter357GluextTer? (NM_001164279.2); c.1287_1290del, p.Ter430GluextTer? (NM_001164280.2, NM_001467.6); c.1287_1290delGTGA (NM_001164277.1).
Identifiers: ClinVar variation 646707 (VCV000646707.10), dbSNP rs1592107594, ClinGen allele CA915947770.

ClinVar aggregate classification (germline): Conflicting classifications of pathogenicity. Review status: criteria provided, conflicting classifications (1 of 4 stars). 4 submissions from 4 submitters: Pathogenic (2); Likely pathogenic (1); Uncertain significance (1). Last evaluated 2023-02-14.

Conditions:
Glucose-6-phosphate transport defect (GSD1B). Also called: GSD Ib; Glycogen Storage Disease Type Ib. Identifiers: Orphanet 364, Orphanet 79259, MedGen C0268146, MONDO:0009288, OMIM 232220.

Submissions (4):

Neuberg Centre For Genomic Medicine, NCGM
Classification: Likely pathogenic for Glucose-6-phosphate transport defect. Last evaluated: 2023-02-14. Review status: criteria provided, single submitter. Criteria: ACMG Guidelines, 2015. Collection method: clinical testing. Allele origin: germline. Inheritance: Autosomal recessive inheritance. Affected: yes.
Comment: The frameshift c.1287_1290del(p.Ter430GlufsTer53) variant in SLC37A4 gene has been reported previously in heterozygous state in an individual affected with glycogen storage disorders (Kumar TV, et. al., 2022). The p.Ter430GlufsTer53 variant is novel (not in any individuals) in gnomAD Exomes and 1000 Genomes. This variant has been reported to the ClinVar database as Uncertain Significance/ Pathogenic. Due to frameshift change, the sequence of a stop codon is changed to specify an amino acid Glutamic Acid instead and translation will continue until another stop codon is found at position Ter53. Loss of function variants have been previously reported to be disease causing. However since this variant is present in the last exon, functional studies will be required to prove protein truncation. Hence the variant is classified as Likely Pathogenic.

Labcorp Genetics (formerly Invitae), Labcorp
Classification: Uncertain significance for Glucose-6-phosphate transport defect. Last evaluated: 2021-08-13. Review status: criteria provided, single submitter. Criteria: Invitae Variant Classification Sherloc (09022015). Collection method: clinical testing. Allele origin: germline.

Centre for Human Genetics
Classification: Pathogenic for Glucose-6-phosphate transport defect. Last evaluated: 2019-07-22. Review status: criteria provided, single submitter. Criteria: ACMG Guidelines, 2015. Collection method: clinical testing. Allele origin: inherited. Inheritance: Autosomal recessive inheritance. Affected: yes. Observed: 1 variant allele.
Comment: disease causing

Kasturba Medical College, Manipal, Kasturba Medical College, Manipal, Manipal Academy of Higher Education, Manipal, India
Classification: Pathogenic for Glucose-6-phosphate transport defect. Review status: criteria provided, single submitter. Criteria: ACMG Guidelines, 2015. Collection method: clinical testing. Allele origin: biparental. Inheritance: Autosomal recessive inheritance. Affected: yes. Observed: 1 homozygote.

Literature cited by the submitters: DOI 10.1371/journal.pone.0270373 (cited by Kasturba Medical College, Manipal, Kasturba Medical College, Manipal, Manipal Academy of Higher Education, Manipal, India).